The following is an entry in ClinVar:

NM_014579.4(SLC39A2):c.128T>G (p.Leu43Arg)

Genes: SLC39A2 (solute carrier family 39 member 2; plus strand), LOC126861883 (BRD4-independent group 4 enhancer GRCh37_chr14:21467511-21468710; plus strand). Cytogenetic location: 14q11.2.
Variant type: single nucleotide variant.
Coding change: c.128T>G on transcript NM_014579.4 (MANE Select); coding-DNA position 128, T replaced by G.
Protein change: p.Leu43Arg; replaces leucine 43 with arginine.
Molecular consequence: missense variant.
Genome position (GRCh38, 1-based): chr14:20,999,754, T>G. VCF-style: chr14-20999754-T-G. GRCh37 (hg19) VCF-style: chr14-21467913-T-G.
Other names: c.128T>G, p.Leu43Arg (NM_001256588.2); short protein forms L43R.
Identifiers: ClinVar variation 1243818 (VCV001243818.3), dbSNP rs2234632, ClinGen allele CA7084761.
Genomic context (GRCh38, chr14:20,999,754, plus strand): 5'-GTCTGTCTCCTCAGTGTCAAGTGGGTTGTAACTTCTGCTTTTTATTAGGTCATCACCGGC[T>G]AGTCCTCAGACTCCTGGGCTGTATTTCTGCTGGTGTTTTCCTGGGAGCAGGGTTCATGCA-3'
Protein context (NP_055394.2, residues 33-53): QIDAARGHHR[Leu43Arg]VLRLLGCISA

ClinVar aggregate classification (germline): Benign. Review status: criteria provided, multiple submitters, no conflicts (2 of 4 stars). 2 submissions from 2 submitters: Benign (2). Last evaluated 2021-02-25.

Allele frequency attached by ClinVar (database versions not stated): ESP Exome Variant Server 0.75573; 1000 Genomes Project 30x 0.76015; 1000 Genomes Project 0.76038; TOPMed 0.76460.

Submissions (2):

GeneDx
Classification: Benign. Last evaluated: 2021-02-25. Review status: criteria provided, single submitter. Criteria: GeneDx Variant Classification Process June 2021. Collection method: clinical testing. Allele origin: germline. Affected: yes.
Comment: This variant is associated with the following publications: (PMID: 26643924)

Breakthrough Genomics
Classification: Benign. Review status: criteria provided, single submitter. Criteria: ACMG Guidelines, 2015. Collection method: not provided. Allele origin: germline. Inheritance: Unknown mechanism. Affected: yes.